The following is an entry in ClinVar:

NM_194454.3(KRIT1):c.1150del (p.His383_Ile384insTer)

Gene: KRIT1 (KRIT1 ankyrin repeat containing; minus strand). Cytogenetic location: 7q21.2.
Variant type: Deletion.
Coding change: c.1150del on transcript NM_194454.3 (MANE Select); coding-DNA position 1150, one base deleted (A; older notation c.1150delA).
Protein change: p.His383_Ile384insTer.
Molecular consequence: nonsense.
Genome position (GRCh38, 1-based): chr7:92,225,824, T deleted on the plus strand (A on the coding strand, the reverse complement: KRIT1 is on the minus strand). VCF-style (leftmost placement, unchanged base first): chr7-92225823-AT-A. GRCh37 (hg19) VCF-style: chr7-91855137-AT-A.
Other names: c.1150del, p.His383_Ile384insTer (NM_001350690.1, NM_001350691.1, NM_001350692.1 and 26 more transcripts); c.1006del, p.His335_Ile336insTer (NM_001013406.2, NM_001350669.1, NM_001350670.1); c.436del, p.His145_Ile146insTer (NM_001350671.1).
Identifiers: ClinVar variation 2726633 (VCV002726633.3), dbSNP rs2535873179, ClinGen allele CA2697557397.

ClinVar aggregate classification (germline): Pathogenic (1 of 4 stars; one submission).

Conditions:
Cerebral cavernous malformation (CCM). Also called: Cerebral cavernous hemangioma (type); Cerebral cavernous malformations; Cavernous Hemangioma of Brain; CAVERNOUS ANGIOMA, FAMILIAL; CAVERNOUS ANGIOMATOUS MALFORMATIONS; CEREBRAL CAPILLARY MALFORMATIONS. Identifiers: Orphanet 221061, MedGen C2919945, MONDO:0000820, OMIM 116860, HP:0033522.

Submission:

Labcorp Genetics (formerly Invitae), Labcorp
Classification: Pathogenic for Cerebral cavernous malformation. Last evaluated: 2023-06-23. Review status: criteria provided, single submitter. Criteria: Invitae Variant Classification Sherloc (09022015). Collection method: clinical testing. Allele origin: germline.
Comment: This variant has not been reported in the literature in individuals affected with KRIT1-related conditions. This variant is not present in population databases (gnomAD no frequency). This sequence change creates a premature translational stop signal (p.Ile384*) in the KRIT1 gene. It is expected to result in an absent or disrupted protein product. Loss-of-function variants in KRIT1 are known to be pathogenic (PMID: 10508515, 11222804, 12404106, 24689081). For these reasons, this variant has been classified as Pathogenic.

Literature cited by the submitters: PubMed 10508515; PubMed 11222804; PubMed 12404106; PubMed 24689081.